The following is an entry in ClinVar:

NM_014714.4(IFT140):c.567C>A (p.Ser189Arg)

Genes: IFT140 (intraflagellar transport 140; minus strand), LOC105371046 (uncharacterized LOC105371046; plus strand). Cytogenetic location: 16p13.3.
Variant type: single nucleotide variant.
Coding change: c.567C>A on transcript NM_014714.4 (MANE Select); coding-DNA position 567, C replaced by A.
Protein change: p.Ser189Arg; replaces serine 189 with arginine.
Molecular consequence: missense variant.
Genome position (GRCh38, 1-based): chr16:1,592,243, G>T on the plus strand (C>A on the coding strand, the complement: IFT140 is on the minus strand). VCF-style: chr16-1592243-G-T. GRCh37 (hg19) VCF-style: chr16-1642244-G-T.
Other names: short protein forms S189R.
Identifiers: ClinVar variation 1025330 (VCV001025330.8), dbSNP rs2035217954, ClinGen allele CA394220292.

ClinVar aggregate classification (germline): Uncertain significance (1 of 4 stars; one submission).

Conditions:
Saldino-Mainzer syndrome (SRTD9). Also called: CONORENAL SYNDROME; Renal dysplasia, retinal pigmentary dystrophy, cerebellar ataxia and skeletal dysplasia; short-rib thoracic dysplasia 9 with or without polydactyly; SHORT-RIB THORACIC DYSPLASIA 9 WITHOUT POLYDACTYLY. Identifiers: Orphanet 140969, MedGen C1849437, MONDO:0009964, OMIM 266920.

Submission:

Labcorp Genetics (formerly Invitae), Labcorp
Classification: Uncertain significance for Saldino-Mainzer syndrome. Last evaluated: 2020-03-26. Review status: criteria provided, single submitter. Criteria: Invitae Variant Classification Sherloc (09022015). Collection method: clinical testing. Allele origin: germline.
Comment: In summary, the available evidence is currently insufficient to determine the role of this variant in disease. Therefore, it has been classified as a Variant of Uncertain Significance. Algorithms developed to predict the effect of missense changes on protein structure and function (SIFT, PolyPhen-2, Align-GVGD) all suggest that this variant is likely to be tolerated, but these predictions have not been confirmed by published functional studies and their clinical significance is uncertain. This variant has not been reported in the literature in individuals with IFT140-related conditions. This variant is not present in population databases (ExAC no frequency). This sequence change replaces serine with arginine at codon 189 of the IFT140 protein (p.Ser189Arg). The serine residue is weakly conserved and there is a moderate physicochemical difference between serine and arginine.